The following is an entry in ClinVar:

NM_001198950.3(MYO16):c.3112A>G (p.Ile1038Val)

Gene: MYO16 (myosin XVI; plus strand). Cytogenetic location: 13q33.3.
Variant type: single nucleotide variant.
Coding change: c.3112A>G on transcript NM_001198950.3 (MANE Select); coding-DNA position 3112, A replaced by G.
Protein change: p.Ile1038Val; replaces isoleucine 1038 with valine.
Molecular consequence: missense variant.
Genome position (GRCh38, 1-based): chr13:109,055,109, A>G. VCF-style: chr13-109055109-A-G. GRCh37 (hg19) VCF-style: chr13-109707457-A-G.
Other names: c.3046A>G, p.Ile1016Val (NM_015011.3); short protein forms I1016V, I1038V.
Identifiers: ClinVar variation 718084 (VCV000718084.7), dbSNP rs146716803, ClinGen allele CA7045299.

ClinVar aggregate classification (germline): Conflicting classifications of pathogenicity. Review status: criteria provided, conflicting classifications (1 of 4 stars). 3 submissions from 3 submitters: Uncertain significance (1); Likely benign (1). 1 of the submissions does not count toward it. Last evaluated 2025-08-09.

Conditions:
MYO16-related disorder. Also called: MYO16-related condition.

Allele frequency attached by ClinVar (database versions not stated): ExAC 0.00167; TOPMed 0.00206; gnomAD 0.00213 and 0.00220; ESP Exome Variant Server 0.00292; gnomAD exomes 0.00331.
gnomAD v4.1: 5,043 of 1,587,426 alleles (0.32%); highest among the groups gnomAD compares: Non-Finnish European, 0.41%; 10 homozygotes.

Submissions (3):

Ambry Genetics
Classification: Uncertain significance. Last evaluated: 2025-08-09. Review status: criteria provided, single submitter. Criteria: Ambry Variant Classification Scheme 2023. Collection method: clinical testing. Allele origin: germline.

Labcorp Genetics (formerly Invitae), Labcorp
Classification: Likely benign. Last evaluated: 2019-12-31. Review status: criteria provided, single submitter. Criteria: Invitae Variant Classification Sherloc (09022015). Collection method: clinical testing. Allele origin: germline.

PreventionGenetics, part of Exact Sciences
Classification: Likely benign for MYO16-related condition. Last evaluated: 2022-02-07. Review status: no assertion criteria provided. Collection method: clinical testing. Allele origin: germline. Not counted in ClinVar's aggregate classification.
Comment: This variant is classified as likely benign based on ACMG/AMP sequence variant interpretation guidelines (Richards et al. 2015 PMID: 25741868, with internal and published modifications).